The following is an entry in ClinVar:

NM_002188.3(IL13):c.334-9G>T

Gene: IL13 (interleukin 13; plus strand). Cytogenetic location: 5q31.1.
Variant type: single nucleotide variant.
Coding change: c.334-9G>T on transcript NM_002188.3 (MANE Select); 9 bases into the intron before coding-DNA position 334, G replaced by T.
Molecular consequence: intron variant.
Genome position (GRCh38, 1-based): chr5:132,660,166, G>T. VCF-style: chr5-132660166-G-T. GRCh37 (hg19) VCF-style: chr5-131995858-G-T.
Other names: c.139-9G>T (NM_001354992.2, NM_001354993.2, NM_001354991.2).
Identifiers: ClinVar variation 3043401 (VCV003043401.2), dbSNP rs961082728, ClinGen allele CA127251499.

ClinVar aggregate classification (germline): Likely benign (0 of 4 stars; one submission).

Conditions:
IL13-related disorder. Also called: IL13-related condition.

Allele frequency attached by ClinVar (database versions not stated): gnomAD 0.00002; TOPMed 0.00002.
gnomAD v4.1: 22 of 1,613,648 alleles (0.0014%); highest among the groups gnomAD compares: Middle Eastern, 0.049%; no homozygotes.

Submission:

PreventionGenetics, part of Exact Sciences
Classification: Likely benign for IL13-related condition. Last evaluated: 2019-07-01. Review status: no assertion criteria provided. Collection method: clinical testing. Allele origin: germline.
Comment: This variant is classified as likely benign based on ACMG/AMP sequence variant interpretation guidelines (Richards et al. 2015 PMID: 25741868, with internal and published modifications).